The following is an entry in ClinVar:

ClinVar aggregate classification (germline): Pathogenic (1 of 4 stars; one submission).

Conditions:
Multiple endocrine neoplasia, type 1 (MEN1). Also called: MEN I; WERMER SYNDROME; MEA I; Endocrine adenomatosis multiple; MEN 1. Identifiers: Orphanet 652, MedGen C0025267, MeSH D018761, MONDO:0007540, OMIM 131100.

Submission:

Labcorp Genetics (formerly Invitae), Labcorp
Classification: Pathogenic for Multiple endocrine neoplasia, type 1. Last evaluated: 2018-05-26. Review status: criteria provided, single submitter. Criteria: Invitae Variant Classification Sherloc (09022015). Collection method: clinical testing. Allele origin: germline.
Comment: This sequence change creates a premature translational stop signal (p.Arg108Leufs*9) in the MEN1 gene. It is expected to result in an absent or disrupted protein product. This variant is not present in population databases (ExAC no frequency). This variant has not been reported in the literature in individuals with MEN1-related disease. Loss-of-function variants in MEN1 are known to be pathogenic (PMID: 12112656, 17853334). For these reasons, this variant has been classified as Pathogenic.

Literature cited by the submitters: PubMed 12112656; PubMed 17853334.

NM_001370259.2(MEN1):c.322_323insT (p.Arg108fs)

Gene: MEN1 (menin 1; minus strand). Cytogenetic location: 11q13.1.
Variant type: Insertion.
Coding change: c.322_323insT on transcript NM_001370259.2 (MANE Select); coding-DNA positions 322 to 323, T inserted.
Protein change: p.Arg108fs; shifts the reading frame from arginine 108.
Molecular consequence: frameshift variant.
Genome position: GRCh38 VCF-style: chr11-64809787-C-CA. GRCh37 (hg19) VCF-style: chr11-64577259-C-CA.
Other names: c.322_323insT, p.Arg108fs (NM_000244.4, NM_001370251.2, NM_001370260.2 and 9 more transcripts); short protein forms R108fs.
Identifiers: ClinVar variation 567215 (VCV000567215.2), dbSNP rs1565651568, ClinGen allele CA891842759.